The following is an entry in ClinVar:

ClinVar aggregate classification (germline): Uncertain significance. Review status: criteria provided, multiple submitters, no conflicts (2 of 4 stars). 3 submissions from 3 submitters: Uncertain significance (3). Last evaluated 2026-04-02.

Conditions:
LRP5-related disorder. Also called: LRP5-related condition.
Inborn genetic diseases. Identifiers: MedGen C0950123, MeSH D030342.

Allele frequency attached by ClinVar (database versions not stated): TOPMed 0.00001; gnomAD 0.00002; gnomAD exomes 0.00002; ExAC 0.00003; 1000 Genomes Project 0.00020; 1000 Genomes Project 30x 0.00031.
gnomAD v4.1: 35 of 1,614,150 alleles (0.0022%); highest among the groups gnomAD compares: South Asian, 0.0099%; no homozygotes.

Submissions (3):

PreventionGenetics, part of Exact Sciences
Classification: Uncertain significance for LRP5-related condition. Last evaluated: 2026-04-02. Review status: criteria provided, single submitter. Criteria: ACMG Guidelines, 2015. Collection method: clinical testing. Allele origin: germline.
Comment: The LRP5 c.4228G>A variant is predicted to result in the amino acid substitution p.Val1410Met. To our knowledge, this variant has not been reported in the literature. This variant is reported in 0.013% of alleles in individuals of South Asian descent in gnomAD. At this time, the clinical significance of this variant is uncertain due to the absence of conclusive functional and genetic evidence.

Ambry Genetics
Classification: Uncertain significance for Inborn genetic diseases. Last evaluated: 2023-08-29. Review status: criteria provided, single submitter. Criteria: Ambry Variant Classification Scheme 2023. Collection method: clinical testing. Allele origin: germline.

Labcorp Genetics (formerly Invitae), Labcorp
Classification: Uncertain significance. Last evaluated: 2022-08-10. Review status: criteria provided, single submitter. Criteria: Invitae Variant Classification Sherloc (09022015). Collection method: clinical testing. Allele origin: germline.
Comment: This variant has not been reported in the literature in individuals affected with LRP5-related conditions. This variant is present in population databases (rs200121061, gnomAD 0.01%). This sequence change replaces valine, which is neutral and non-polar, with methionine, which is neutral and non-polar, at codon 1410 of the LRP5 protein (p.Val1410Met). In summary, the available evidence is currently insufficient to determine the role of this variant in disease. Therefore, it has been classified as a Variant of Uncertain Significance. Advanced modeling of protein sequence and biophysical properties (such as structural, functional, and spatial information, amino acid conservation, physicochemical variation, residue mobility, and thermodynamic stability) performed at Invitae indicates that this missense variant is not expected to disrupt LRP5 protein function.

NM_002335.4(LRP5):c.4228G>A (p.Val1410Met)

Gene: LRP5 (LDL receptor related protein 5; plus strand). Cytogenetic location: 11q13.2.
Variant type: single nucleotide variant.
Coding change: c.4228G>A on transcript NM_002335.4 (MANE Select); coding-DNA position 4228, G replaced by A.
Protein change: p.Val1410Met; replaces valine 1410 with methionine.
Molecular consequence: missense variant.
Genome position (GRCh38, 1-based): chr11:68,438,562, G>A. VCF-style: chr11-68438562-G-A. GRCh37 (hg19) VCF-style: chr11-68206030-G-A.
Other names: c.2485G>A, p.Val829Met (NM_001291902.2); c.4228G>A (NM_002335.3, NM_002335.2); short protein forms V1410M, V829M.
Identifiers: ClinVar variation 1951327 (VCV001951327.8), dbSNP rs200121061, ClinGen allele CA6150287.